The following is an entry in ClinVar:

ClinVar aggregate classification (germline): Uncertain significance (1 of 4 stars; one submission).

Allele frequency attached by ClinVar (database versions not stated): TOPMed below 0.00001.

Submission:

Labcorp Genetics (formerly Invitae), Labcorp
Classification: Uncertain significance. Last evaluated: 2022-07-04. Review status: criteria provided, single submitter. Criteria: Invitae Variant Classification Sherloc (09022015). Collection method: clinical testing. Allele origin: germline.
Comment: This variant is not present in population databases (gnomAD no frequency). This sequence change replaces serine, which is neutral and polar, with asparagine, which is neutral and polar, at codon 134 of the PPCS protein (p.Ser134Asn). This variant has not been reported in the literature in individuals affected with PPCS-related conditions. In summary, the available evidence is currently insufficient to determine the role of this variant in disease. Therefore, it has been classified as a Variant of Uncertain Significance. Algorithms developed to predict the effect of missense changes on protein structure and function output the following: SIFT: "Tolerated"; PolyPhen-2: "Benign"; Align-GVGD: "Class C0". The asparagine amino acid residue is found in multiple mammalian species, which suggests that this missense change does not adversely affect protein function.

NM_024664.4(PPCS):c.401G>A (p.Ser134Asn)

Genes: CCDC30 (coiled-coil domain containing 30; plus strand), PPCS (phosphopantothenoylcysteine synthetase; plus strand). Cytogenetic location: 1p34.2.
Variant type: single nucleotide variant.
Coding change: c.401G>A on transcript NM_024664.4 (MANE Select); coding-DNA position 401, G replaced by A.
Protein change: p.Ser134Asn; replaces serine 134 with asparagine.
Molecular consequence: missense variant. On other transcripts: 5 prime UTR variant (1), intron variant (6).
Genome position (GRCh38, 1-based): chr1:42,456,966, G>A. VCF-style: chr1-42456966-G-A. GRCh37 (hg19) VCF-style: chr1-42922637-G-A.
Other names: c.-292G>A (NM_001287510.2); c.401G>A, p.Ser134Asn (NM_001287511.2); c.-983-281G>A (NM_001355226.2); c.-327-281G>A (NM_001287507.1); c.-11-281G>A (NM_001287506.1, NM_001077447.3, NM_001287509.2); c.-12+242G>A (NM_001287508.2); short protein forms S134N.
Identifiers: ClinVar variation 2013919 (VCV002013919.4), dbSNP rs1643221883, ClinGen allele CA339946163.